The following is an entry in ClinVar:

ClinVar aggregate classification (germline): Benign/Likely benign. Review status: criteria provided, multiple submitters, no conflicts (2 of 4 stars). 3 submissions from 3 submitters: Benign (1); Likely benign (1). 1 of the submissions does not count toward it. Last evaluated 2026-09-01.

Conditions:
ATP1A3-related disorder. Also called: ATP1A3-related condition; ATP1A3-related disorders. Identifiers: MedGen CN381097.
Dystonia 12 (DYT12). Also called: Rapid-Onset Dystonia-Parkinsonism (RDP); DYT-ATP1A3. Identifiers: Orphanet 71517, MedGen C1868681, MONDO:0007496, OMIM 128235.

Allele frequency attached by ClinVar (database versions not stated): 1000 Genomes Project 30x 0.00016.
gnomAD v4.1: 76 of 1,614,160 alleles (0.0047%); highest among the groups gnomAD compares: South Asian, 0.061%; no homozygotes.

Submissions (3):

CeGaT Center for Human Genetics Tuebingen
Classification: Likely benign. Last evaluated: 2026-09-01. Review status: criteria provided, single submitter. Criteria: CeGaT Center For Human Genetics Tuebingen Variant Classification Criteria Version 2. Collection method: clinical testing. Allele origin: germline. Affected: yes. Observed: 2 variant alleles.
Comment: ATP1A3: BP4, BP7

Labcorp Genetics (formerly Invitae), Labcorp
Classification: Benign for Dystonia 12. Last evaluated: 2026-01-28. Review status: criteria provided, single submitter. Criteria: Invitae Variant Classification Sherloc (09022015). Collection method: clinical testing. Allele origin: germline.

PreventionGenetics, part of Exact Sciences
Classification: Likely benign for ATP1A3-related condition. Last evaluated: 2024-08-08. Review status: no assertion criteria provided. Collection method: clinical testing. Allele origin: germline. Not counted in ClinVar's aggregate classification.
Comment: This variant is classified as likely benign based on ACMG/AMP sequence variant interpretation guidelines (Richards et al. 2015 PMID: 25741868, with internal and published modifications).

NM_152296.5(ATP1A3):c.666T>A (p.Thr222=)

Gene: ATP1A3 (ATPase Na+/K+ transporting subunit alpha 3; minus strand). Cytogenetic location: 19q13.2.
Variant type: single nucleotide variant.
Coding change: c.666T>A on transcript NM_152296.5 (MANE Select); coding-DNA position 666, T replaced by A.
Protein change: p.Thr222=; no amino-acid change (threonine 222 retained).
Molecular consequence: synonymous variant.
Genome position (GRCh38, 1-based): chr19:41,985,364, A>T on the plus strand (T>A on the coding strand, the complement: ATP1A3 is on the minus strand). VCF-style: chr19-41985364-A-T. GRCh37 (hg19) VCF-style: chr19-42489516-A-T.
Other names: c.705T>A (NM_001256214.1); c.699T>A, p.Thr233= (NM_001256213.2); c.705T>A, p.Thr235= (NM_001256214.2).
Identifiers: ClinVar variation 1167682 (VCV001167682.33), dbSNP rs2217342, ClinGen allele CA9467815.